The following is an entry in ClinVar:

NM_138576.4(BCL11B):c.525C>T (p.Gly175=)

Gene: BCL11B (BCL11 transcription factor B; minus strand). Cytogenetic location: 14q32.2.
Variant type: single nucleotide variant.
Coding change: c.525C>T on transcript NM_138576.4 (MANE Select); coding-DNA position 525, C replaced by T.
Protein change: p.Gly175=; no amino-acid change (glycine 175 retained).
Molecular consequence: synonymous variant. On other transcripts: intron variant (2).
Genome position (GRCh38, 1-based): chr14:99,231,460, G>A on the plus strand (C>T on the coding strand, the complement: BCL11B is on the minus strand). VCF-style: chr14-99231460-G-A. GRCh37 (hg19) VCF-style: chr14-99697797-G-A.
Other names: c.522C>T, p.Gly174= (NM_001282237.2); c.424+26011C>T (NM_001282238.2); c.427+26011C>T (NM_022898.3); c.525C>T (NM_138576.3).
Identifiers: ClinVar variation 1985779 (VCV001985779.6), dbSNP rs372881820, ClinGen allele CA7339871.

ClinVar aggregate classification (germline): Likely benign. Review status: criteria provided, single submitter (1 of 4 stars). 2 submissions from 2 submitters: Likely benign (1). 1 of the submissions does not count toward it. Last evaluated 2024-05-12.

Conditions:
BCL11B-related disorder. Also called: BCL11B-Related Disorders.

Allele frequency attached by ClinVar (database versions not stated): TOPMed 0.00002; ExAC 0.00004; gnomAD exomes 0.00005; ESP Exome Variant Server 0.00008.
gnomAD v4.1: 76 of 1,598,406 alleles (0.0048%); highest among the groups gnomAD compares: Admixed American, 0.0069%; no homozygotes.

Submissions (2):

Labcorp Genetics (formerly Invitae), Labcorp
Classification: Likely benign. Last evaluated: 2024-05-12. Review status: criteria provided, single submitter. Criteria: Invitae Variant Classification Sherloc (09022015). Collection method: clinical testing. Allele origin: germline.

PreventionGenetics, part of Exact Sciences
Classification: Likely benign for BCL11B-related condition. Last evaluated: 2020-02-07. Review status: no assertion criteria provided. Collection method: clinical testing. Allele origin: germline. Not counted in ClinVar's aggregate classification.
Comment: This variant is classified as likely benign based on ACMG/AMP sequence variant interpretation guidelines (Richards et al. 2015 PMID: 25741868, with internal and published modifications).